The following is an entry in ClinVar:

NM_144687.4(NLRP12):c.1437G>A (p.Gln479=)

Gene: NLRP12 (NLR family pyrin domain containing 12; minus strand). Cytogenetic location: 19q13.42.
Variant type: single nucleotide variant.
Coding change: c.1437G>A on transcript NM_144687.4 (MANE Select); coding-DNA position 1437, G replaced by A.
Protein change: p.Gln479=; no amino-acid change (glutamine 479 retained).
Molecular consequence: synonymous variant.
Genome position (GRCh38, 1-based): chr19:53,810,222, C>T on the plus strand (G>A on the coding strand, the complement: NLRP12 is on the minus strand). VCF-style: chr19-53810222-C-T. GRCh37 (hg19) VCF-style: chr19-54313476-C-T.
Other names: p.Gln479=; c.1437G>A, p.Gln479= (NM_001277126.2, NM_001277129.1).
Identifiers: ClinVar variation 536947 (VCV000536947.48), dbSNP rs77667763, ClinGen allele CA9639429.

ClinVar aggregate classification (germline): Benign/Likely benign. Review status: criteria provided, multiple submitters, no conflicts (2 of 4 stars). 9 submissions from 9 submitters: Benign (4); Likely benign (5). Last evaluated 2026-03-30.

Conditions:
Familial cold autoinflammatory syndrome 2 (FCAS2). Identifiers: Orphanet 247868, MedGen C2673198, MONDO:0012724, OMIM 611762.
Autoinflammatory syndrome. Identifiers: Orphanet 93665, MedGen C3890737, MONDO:0019751.

Allele frequency attached by ClinVar (database versions not stated): ExAC 0.00103; gnomAD 0.00288 and 0.00294; TOPMed 0.00340; ESP Exome Variant Server 0.00392; 1000 Genomes Project 30x 0.00468; 1000 Genomes Project 0.00499.
gnomAD v4.1: 938 of 1,614,164 alleles (0.058%); highest among the groups gnomAD compares: African/African-American, 1%; 3 homozygotes.

Submissions (9):

Women's Health and Genetics/Laboratory Corporation of America, LabCorp
Classification: Benign. Last evaluated: 2026-03-30. Review status: criteria provided, single submitter. Criteria: LabCorp Variant Classification Summary - May 2015. Collection method: clinical testing. Allele origin: germline.

Labcorp Genetics (formerly Invitae), Labcorp
Classification: Benign for Familial cold autoinflammatory syndrome 2. Last evaluated: 2026-01-01. Review status: criteria provided, single submitter. Criteria: Invitae Variant Classification Sherloc (09022015). Collection method: clinical testing. Allele origin: germline.

ARUP Laboratories, Molecular Genetics and Genomics, ARUP Laboratories
Classification: Benign for Familial cold autoinflammatory syndrome 2. Last evaluated: 2025-06-04. Review status: criteria provided, single submitter. Criteria: ARUP Molecular Germline Variant Investigation Process 2024. Collection method: clinical testing. Allele origin: germline.

Mayo Clinic Laboratories, Mayo Clinic
Classification: Likely benign. Last evaluated: 2025-02-25. Review status: criteria provided, single submitter. Criteria: ACMG Guidelines, 2015. Collection method: clinical testing. Allele origin: germline. Observed: 1 variant allele.
Comment: BS1, BP4, BP7

Blueprint Genetics
Classification: Likely benign. Last evaluated: 2024-11-14. Review status: criteria provided, single submitter. Criteria: ACMG Guidelines, 2015. Collection method: clinical testing. Allele origin: germline.

CeGaT Center for Human Genetics Tuebingen
Classification: Likely benign. Last evaluated: 2023-06-01. Review status: criteria provided, single submitter. Criteria: CeGaT Center For Human Genetics Tuebingen Variant Classification Criteria Version 2. Collection method: clinical testing. Allele origin: germline. Affected: yes. Observed: 1 variant allele.
Comment: NLRP12: BP4, BP7

Fulgent Genetics
Classification: Likely benign for Familial cold autoinflammatory syndrome 2. Last evaluated: 2022-04-05. Review status: criteria provided, single submitter. Criteria: ACMG Guidelines, 2015. Collection method: clinical testing. Allele origin: unknown.

Genome Diagnostics Laboratory, The Hospital for Sick Children
Classification: Likely benign for Autoinflammatory syndrome. Last evaluated: 2021-03-25. Review status: criteria provided, single submitter. Criteria: ACMG Guidelines, 2015. Collection method: clinical testing. Allele origin: germline. Affected: yes.

Breakthrough Genomics
Classification: Benign. Review status: criteria provided, single submitter. Criteria: ACMG Guidelines, 2015. Collection method: not provided. Allele origin: germline. Inheritance: Autosomal dominant inheritance. Affected: yes.